The following is an entry in ClinVar:

NM_000466.3(PEX1):c.3438+1G>T

Genes: PEX1 (peroxisomal biogenesis factor 1; minus strand), GATAD1 (GATA zinc finger domain containing 1; plus strand). Cytogenetic location: 7q21.2.
Variant type: single nucleotide variant.
Coding change: c.3438+1G>T on transcript NM_000466.3 (MANE Select); the canonical splice donor site of the intron after coding-DNA position 3438, G replaced by T.
Molecular consequence: splice donor variant.
Genome position (GRCh38, 1-based): chr7:92,491,271, C>A on the plus strand (G>T on the coding strand, the complement: PEX1 is on the minus strand). VCF-style: chr7-92491271-C-A. GRCh37 (hg19) VCF-style: chr7-92120585-C-A.
Other names: c.3267+1G>T (NM_001282677.2); c.2814+1G>T (NM_001282678.2).
Identifiers: ClinVar variation 557541 (VCV000557541.3), dbSNP rs1554367284, ClinGen allele CA368163233.

ClinVar aggregate classification (germline): Pathogenic. Review status: criteria provided, single submitter (1 of 4 stars). 2 submissions from 2 submitters: Pathogenic (1). 1 of the submissions does not count toward it.

Conditions:
Peroxisome biogenesis disorder 1A (Zellweger) (PBD1A). Also called: Zellweger leukodystrophy; Peroxisome biogenesis disorder 1a. Identifiers: MedGen C4721541, MONDO:0008953, OMIM 214100.
Peroxisome biogenesis disorder 1B (PBD1B). Also called: Refsum disease, infantile form; Infantile Refsum disease; Infantile form of phytanic acid storage disease; PEROXISOME BIOGENESIS DISORDER (NEONATAL ADRENOLEUKODYSTROPHY/INFANTILE REFSUM DISEASE); INFANTILE PHYTANIC ACID STORAGE DISEASE; PEROXISOME BIOGENESIS DISORDER (NALD/IRD). Identifiers: Orphanet 44, MedGen C0282527, MONDO:0011101, OMIM 601539.

Allele frequency attached by ClinVar (database versions not stated): gnomAD exomes below 0.00001.
gnomAD v4.1: 2 of 1,581,416 alleles (0.00013%); highest among the groups gnomAD compares: Non-Finnish European, 0.00017%; no homozygotes.

Submissions (2):

Molecular Genetics Department, Kulakov National Medical Research Center for Obstetrics, Gynecology and Perinatology
Classification: Pathogenic for Peroxisome biogenesis disorder 1A (Zellweger); Peroxisome biogenesis disorder 1B. Review status: criteria provided, single submitter. Criteria: ACMG Guidelines, 2015. Collection method: clinical testing. Allele origin: germline. Affected: yes. Observed: 1 variant allele.
Comment: A previously undescribed heterozygous nucleotide variant creates an alteration of the canonical splice site c.3438+1G>T in the PEX1 gene. Homozygous and compound heterozygous variants are reported in patients with Peroxisome biogenesis disorder 1A (Zellweger), 214100; Peroxisome biogenesis disorder 1B (NALD/IRD), 601539. The variant frequency in population database gnomAD is 0.00014%. The variant is not present in population database (gnomAD no frequency). The variant was found in trans position with the PEX1 variant (NM_000466.3:c.2097dup). In summary, this variant has been classified as pathogenic.

Counsyl
Classification: Likely pathogenic for Peroxisome biogenesis disorder 1A (Zellweger). Last evaluated: 2018-03-29. Review status: no assertion criteria provided. Collection method: clinical testing. Allele origin: unknown. Not counted in ClinVar's aggregate classification.